The following is an entry in ClinVar:

ClinVar aggregate classification (germline): Conflicting classifications of pathogenicity. Review status: criteria provided, conflicting classifications (1 of 4 stars). 5 submissions from 5 submitters: Uncertain significance (4); Likely benign (1). Last evaluated 2024-10-07.

Conditions:
Isolated microphthalmia 5. Also called: Posterior Microphthalmia with Retinitis Pigmentosa, Foveoschisis, and Optic Disc Drusen. Identifiers: Orphanet 251279, MedGen C1970236, MONDO:0012605, OMIM 611040.
Nanophthalmos 2 (NNO2). Also called: NANOPHTHALMIA 2; NANOPHTHALMOS, AUTOSOMAL RECESSIVE. Identifiers: Orphanet 35612, MedGen C1836006, MONDO:0012299, OMIM 609549.

Allele frequency attached by ClinVar (database versions not stated): ExAC 0.00038; gnomAD 0.00045 and 0.00048; ESP Exome Variant Server 0.00069; gnomAD exomes 0.00042 and 0.00061; TOPMed 0.00050.
gnomAD v4.1: 956 of 1,613,558 alleles (0.059%); highest among the groups gnomAD compares: Non-Finnish European, 0.076%; 1 homozygote.

Submissions (5):

Blueprint Genetics
Classification: Likely benign. Last evaluated: 2024-10-07. Review status: criteria provided, single submitter. Criteria: ACMG Guidelines, 2015. Collection method: clinical testing. Allele origin: germline.

CeGaT Center for Human Genetics Tuebingen
Classification: Uncertain significance. Last evaluated: 2024-02-01. Review status: criteria provided, single submitter. Criteria: CeGaT Center For Human Genetics Tuebingen Variant Classification Criteria Version 2. Collection method: clinical testing. Allele origin: germline. Affected: yes. Observed: 1 variant allele.
Comment: MFRP: PM2, BP4

Labcorp Genetics (formerly Invitae), Labcorp
Classification: Uncertain significance for Isolated microphthalmia 5. Last evaluated: 2022-08-19. Review status: criteria provided, single submitter. Criteria: Invitae Variant Classification Sherloc (09022015). Collection method: clinical testing. Allele origin: germline.
Comment: This sequence change replaces glycine, which is neutral and non-polar, with serine, which is neutral and polar, at codon 449 of the MFRP protein (p.Gly449Ser). This variant is present in population databases (rs139725672, gnomAD 0.08%). This missense change has been observed in individual(s) with microphthalmia (PMID: 30653986). ClinVar contains an entry for this variant (Variation ID: 861498). Algorithms developed to predict the effect of missense changes on protein structure and function (SIFT, PolyPhen-2, Align-GVGD) all suggest that this variant is likely to be tolerated. In summary, the available evidence is currently insufficient to determine the role of this variant in disease. Therefore, it has been classified as a Variant of Uncertain Significance.

Fulgent Genetics
Classification: Uncertain significance for Nanophthalmos 2; Isolated microphthalmia 5. Last evaluated: 2022-03-30. Review status: criteria provided, single submitter. Criteria: ACMG Guidelines, 2015. Collection method: clinical testing. Allele origin: unknown.

Breakthrough Genomics
Classification: Uncertain significance. Review status: criteria provided, single submitter. Criteria: ACMG Guidelines, 2015. Collection method: not provided. Allele origin: germline. Inheritance: Autosomal recessive inheritance. Affected: yes.

Literature cited by the submitters: PubMed 30653986 (cited by Labcorp Genetics (formerly Invitae), Labcorp).

NM_031433.4(MFRP):c.1345G>A (p.Gly449Ser)

Genes: C1QTNF5 (C1q and TNF related 5; minus strand), MFRP (membrane frizzled-related protein; minus strand). Cytogenetic location: 11q23.3.
Variant type: single nucleotide variant.
Coding change: c.1345G>A on transcript NM_031433.4 (MANE Select); coding-DNA position 1345, G replaced by A.
Protein change: p.Gly449Ser; replaces glycine 449 with serine.
Molecular consequence: missense variant. On other transcripts: 5 prime UTR variant (1).
Genome position (GRCh38, 1-based): chr11:119,342,638, C>T on the plus strand (G>A on the coding strand, the complement: MFRP is on the minus strand). VCF-style: chr11-119342638-C-T. GRCh37 (hg19) VCF-style: chr11-119213348-C-T.
Other names: c.-1292G>A (NM_015645.5); short protein forms G449S.
Identifiers: ClinVar variation 861498 (VCV000861498.29), dbSNP rs139725672, ClinGen allele CA6320144.